The following is an entry in ClinVar:

NM_001142864.4(PIEZO1):c.4052A>G (p.Lys1351Arg)

Gene: PIEZO1 (piezo type mechanosensitive ion channel component 1 (Er blood group); minus strand). Cytogenetic location: 16q24.3.
Variant type: single nucleotide variant.
Coding change: c.4052A>G on transcript NM_001142864.4 (MANE Select); coding-DNA position 4052, A replaced by G.
Protein change: p.Lys1351Arg; replaces lysine 1351 with arginine.
Molecular consequence: missense variant.
Genome position (GRCh38, 1-based): chr16:88,725,601, T>C on the plus strand (A>G on the coding strand, the complement: PIEZO1 is on the minus strand). VCF-style: chr16-88725601-T-C. GRCh37 (hg19) VCF-style: chr16-88792009-T-C.
Other names: short protein forms K1351R.
Identifiers: ClinVar variation 4983553 (VCV004983553.1).
Genomic context (GRCh38, chr16:88,725,601, plus strand): 5'-TATGCTGAGCATTGGGGGGAGGAGCCGGGGAGTCCCCGCCCCAGAGGCACCTACTGTCTT[T>C]TCAGCTGGGCCAGGGACTTCTCCTCTATCCTGCGGTGAAAGTCAATGCTCTTGAGGTTGG-3'
Protein context (NP_001136336.2, residues 1341-1361): RIEEKSLAQL[Lys1351Arg]RQMERIRAKQ

ClinVar aggregate classification (germline): Uncertain significance (1 of 4 stars; one submission).

Conditions:
PIEZO1-related disorder. Also called: PIEZO1-related condition; PIEZO1-Related Disorders.

gnomAD v4.1: 8 of 1,548,366 alleles (0.00052%); highest among the groups gnomAD compares: Non-Finnish European, 0.0007%; no homozygotes.

Submission:

PreventionGenetics, part of Exact Sciences
Classification: Uncertain significance for PIEZO1-related condition. Last evaluated: 2025-06-18. Review status: criteria provided, single submitter. Criteria: ACMG Guidelines, 2015. Collection method: clinical testing. Allele origin: germline.
Comment: The PIEZO1 c.4052A>G variant is predicted to result in the amino acid substitution p.Lys1351Arg. To our knowledge, this variant has not been reported in the literature or in a large population database (gnomAD), indicating this variant is rare. At this time, the clinical significance of this variant is uncertain due to the absence of conclusive functional and genetic evidence.